The following is an entry in ClinVar:

ClinVar aggregate classification (germline): Benign/Likely benign. Review status: criteria provided, multiple submitters, no conflicts (2 of 4 stars). 9 submissions from 9 submitters: Benign (4); Likely benign (5). Last evaluated 2026-09-01.

Conditions:
Ehlers-Danlos syndrome (EDS). Identifiers: Orphanet 98249, MedGen C0013720, MONDO:0020066.
Cardiovascular phenotype. Identifiers: MedGen CN230736.

Allele frequency attached by ClinVar (database versions not stated): ESP Exome Variant Server 0.00275; gnomAD exomes 0.00281 and 0.00302; 1000 Genomes Project 0.00020; 1000 Genomes Project 30x 0.00062; gnomAD 0.00196 and 0.00200; TOPMed 0.00211; ExAC 0.00354.
gnomAD v4.1: 4,450 of 1,613,476 alleles (0.28%); highest among the groups gnomAD compares: Non-Finnish European, 0.31%; 15 homozygotes.

Submissions (9):

CeGaT Center for Human Genetics Tuebingen
Classification: Likely benign. Last evaluated: 2026-09-01. Review status: criteria provided, single submitter. Criteria: CeGaT Center For Human Genetics Tuebingen Variant Classification Criteria Version 2. Collection method: clinical testing. Allele origin: germline. Affected: yes. Observed: 14 variant alleles.
Comment: TNXB: BP4, BP7

Labcorp Genetics (formerly Invitae), Labcorp
Classification: Benign. Last evaluated: 2026-02-02. Review status: criteria provided, single submitter. Criteria: Invitae Variant Classification Sherloc (09022015). Collection method: clinical testing. Allele origin: germline.

Women's Health and Genetics/Laboratory Corporation of America, LabCorp
Classification: Benign. Last evaluated: 2025-01-03. Review status: criteria provided, single submitter. Criteria: LabCorp Variant Classification Summary - May 2015. Collection method: clinical testing. Allele origin: germline.
Comment: Variant summary: TNXB c.9432G>A (p.Thr3144Thr) alters a non-conserved nucleotide located close to a canonical splice site and therefore could affect mRNA splicing, leading to a significantly altered protein sequence. Consensus agreement among computation tools predict no significant impact on normal splicing. However, these predictions have yet to be confirmed by functional studies. The variant allele was found at a frequency of 0.003 in 245984 control chromosomes, predominantly at a frequency of 0.0044 within the Non-Finnish European subpopulation in the gnomAD database, including 2 homozygotes. The observed variant frequency within Non-Finnish European control individuals in the gnomAD database is approximately 3.94 fold of the estimated maximal expected allele frequency for a pathogenic variant in TNXB causing Ehlers-Danlos syndrome due to tenascin-X deficiency phenotype (0.0011). To our knowledge, no occurrence of c.9432G>A in individuals affected with Ehlers-Danlos syndrome due to tenascin-X deficiency and no experimental evidence demonstrating its impact on protein function have been reported. ClinVar contains an entry for this variant (Variation ID: 809899). Based on the evidence outlined above, the variant was classified as benign.

Blueprint Genetics
Classification: Likely benign. Last evaluated: 2024-11-25. Review status: criteria provided, single submitter. Criteria: ACMG Guidelines, 2015. Collection method: clinical testing. Allele origin: germline.

Mayo Clinic Laboratories, Mayo Clinic
Classification: Benign. Last evaluated: 2024-08-19. Review status: criteria provided, single submitter. Criteria: ACMG Guidelines, 2015. Collection method: clinical testing. Allele origin: germline. Observed: 16 variant alleles.
Comment: BS1, BP4, BP7

Genome Diagnostics Laboratory, The Hospital for Sick Children
Classification: Benign for Ehlers-Danlos syndrome. Last evaluated: 2021-04-26. Review status: criteria provided, single submitter. Criteria: ACMG Guidelines, 2015. Collection method: clinical testing. Allele origin: germline.

GeneDx
Classification: Likely benign. Last evaluated: 2020-10-29. Review status: criteria provided, single submitter. Criteria: GeneDx Variant Classification Process June 2021. Collection method: clinical testing. Allele origin: germline. Affected: yes.

Ambry Genetics
Classification: Likely benign for Cardiovascular phenotype. Last evaluated: 2019-05-19. Review status: criteria provided, single submitter. Criteria: Ambry Variant Classification Scheme 2023. Collection method: clinical testing. Allele origin: germline.

Breakthrough Genomics
Classification: Likely benign. Review status: criteria provided, single submitter. Criteria: ACMG Guidelines, 2015. Collection method: not provided. Allele origin: germline. Inheritance: Autosomal recessive inheritance. Affected: yes.

NM_001365276.2(TNXB):c.9438G>A (p.Thr3146=)

Gene: TNXB (tenascin XB; minus strand). Cytogenetic location: 6p21.33.
Variant type: single nucleotide variant.
Coding change: c.9438G>A on transcript NM_001365276.2 (MANE Select); coding-DNA position 9438, G replaced by A.
Protein change: p.Thr3146=; no amino-acid change (threonine 3146 retained).
Molecular consequence: synonymous variant.
Genome position (GRCh38, 1-based): chr6:32,049,999, C>T on the plus strand (G>A on the coding strand, the complement: TNXB is on the minus strand). VCF-style: chr6-32049999-C-T. GRCh37 (hg19) VCF-style: chr6-32017776-C-T.
Other names: p.Thr3144=; c.9432G>A, p.Thr3144= (NM_019105.8).
Identifiers: ClinVar variation 809899 (VCV000809899.53), dbSNP rs202162469, ClinGen allele CA3733540.